The following is an entry in ClinVar:

NM_000823.4(GHRHR):c.327T>C (p.Pro109=)

Gene: GHRHR (growth hormone releasing hormone receptor; plus strand). Cytogenetic location: 7p14.3.
Variant type: single nucleotide variant.
Coding change: c.327T>C on transcript NM_000823.4 (MANE Select); coding-DNA position 327, T replaced by C.
Protein change: p.Pro109=; no amino-acid change (proline 109 retained).
Molecular consequence: synonymous variant.
Genome position (GRCh38, 1-based): chr7:30,969,925, T>C. VCF-style: chr7-30969925-T-C. GRCh37 (hg19) VCF-style: chr7-31009540-T-C.
Identifiers: ClinVar variation 1535398 (VCV001535398.10), dbSNP rs749688300, ClinGen allele CA4208496.

ClinVar aggregate classification (germline): Likely benign. Review status: criteria provided, multiple submitters, no conflicts (2 of 4 stars). 2 submissions from 2 submitters: Likely benign (2). Last evaluated 2026-06-01.

Allele frequency attached by ClinVar (database versions not stated): ExAC 0.00004; gnomAD exomes 0.00004.
gnomAD v4.1: 13 of 1,542,604 alleles (0.00084%); highest among the groups gnomAD compares: Admixed American, 0.022%; no homozygotes.

Submissions (2):

CeGaT Center for Human Genetics Tuebingen
Classification: Likely benign. Last evaluated: 2026-06-01. Review status: criteria provided, single submitter. Criteria: CeGaT Center For Human Genetics Tuebingen Variant Classification Criteria Version 2. Collection method: clinical testing. Allele origin: germline. Affected: yes. Observed: 1 variant allele.
Comment: GHRHR: BP4, BP7

Labcorp Genetics (formerly Invitae), Labcorp
Classification: Likely benign. Last evaluated: 2024-11-19. Review status: criteria provided, single submitter. Criteria: Invitae Variant Classification Sherloc (09022015). Collection method: clinical testing. Allele origin: germline.